The following is an entry in ClinVar:

ClinVar aggregate classification (germline): Uncertain significance. Review status: criteria provided, single submitter (1 of 4 stars). 2 submissions from 2 submitters: Uncertain significance (1). 1 of the submissions does not count toward it. Last evaluated 2024-04-25.

Conditions:
Malignant tumor of breast. Also called: Malignant breast neoplasm; Cancer breast. Identifiers: MedGen C0006142, MONDO:0007254. Disease mechanism: loss of function.
Fanconi anemia complementation group J. Also called: BRIP1-Related Fanconi Anemia. Identifiers: Orphanet 84, MedGen C1836860, MONDO:0012187, OMIM 609054.
Familial cancer of breast. Also called: hereditary breast carcinoma; BREAST CANCER, FAMILIAL; Hereditary breast cancer. Identifiers: Orphanet 227535, MedGen C0346153, MONDO:0016419, OMIM 114480. Disease mechanism: loss of function.

Submissions (2):

Labcorp Genetics (formerly Invitae), Labcorp
Classification: Uncertain significance for Familial cancer of breast; Fanconi anemia complementation group J. Last evaluated: 2024-04-25. Review status: criteria provided, single submitter. Criteria: Invitae Variant Classification Sherloc (09022015). Collection method: clinical testing. Allele origin: germline.
Comment: This sequence change replaces tyrosine, which is neutral and polar, with histidine, which is basic and polar, at codon 1137 of the BRIP1 protein (p.Tyr1137His). This variant is not present in population databases (gnomAD no frequency). This variant has not been reported in the literature in individuals affected with BRIP1-related conditions. ClinVar contains an entry for this variant (Variation ID: 858986). An algorithm developed to predict the effect of missense changes on protein structure and function (PolyPhen-2) suggests that this variant is likely to be disruptive. In summary, the available evidence is currently insufficient to determine the role of this variant in disease. Therefore, it has been classified as a Variant of Uncertain Significance.

Department of Pathology and Laboratory Medicine, Sinai Health System
Classification: Uncertain significance for Malignant tumor of breast. Review status: no assertion criteria provided. Collection method: clinical testing. Allele origin: unknown. Affected: yes. Study: The Canadian Open Genetics Repository (COGR). Not counted in ClinVar's aggregate classification.
Comment: The BRIP1 p.Tyr1137His variant was not identified in the literature nor was it identified in the dbSNP, or ClinVar. The variant was not identified in the following control databases: the Exome Aggregation Consortium (August 8th 2016), or the Genome Aggregation Database (Feb 27, 2017). The p.Tyr1137 residue is not conserved in mammals and computational analyses (PolyPhen-2, SIFT, AlignGVGD, BLOSUM, MutationTaster) provide inconsistent predictions regarding the impact to the protein; this information is not very predictive of pathogenicity. The variant occurs outside of the splicing consensus sequence and in silico or computational prediction software programs (SpliceSiteFinder, MaxEntScan, NNSPLICE, GeneSplicer) do not predict a difference in splicing. In summary, based on the above information the clinical significance of this variant cannot be determined with certainty at this time. This variant is classified as a variant of uncertain significance.

NM_032043.3(BRIP1):c.3409T>C (p.Tyr1137His)

Gene: BRIP1 (BRCA1 interacting DNA helicase 1; minus strand). Cytogenetic location: 17q23.2.
Variant type: single nucleotide variant.
Coding change: c.3409T>C on transcript NM_032043.3 (MANE Select); coding-DNA position 3409, T replaced by C.
Protein change: p.Tyr1137His; replaces tyrosine 1137 with histidine.
Molecular consequence: missense variant.
Genome position (GRCh38, 1-based): chr17:61,683,637, A>G on the plus strand (T>C on the coding strand, the complement: BRIP1 is on the minus strand). VCF-style: chr17-61683637-A-G. GRCh37 (hg19) VCF-style: chr17-59760998-A-G.
Other names: short protein forms Y1137H.
Identifiers: ClinVar variation 858986 (VCV000858986.14), dbSNP rs2061308195, ClinGen allele CA400478793.
Genomic context (GRCh38, chr17:61,683,637, plus strand): 5'-TATTTCCTCTATCAGTTTCAGCTAGGTCATTTTTTTCTTCATCTGTATCTTCAGGATCAT[A>G]AAGTTCAGGTGTAAAATAGATAGATTCATCTTCTGCTTCTGTTTCAAAATCTCTATTTGA-3'
Protein context (NP_114432.2, residues 1127-1147): DESIYFTPEL[Tyr1137His]DPEDTDEEKN